The following is an entry in ClinVar:

ClinVar aggregate classification (germline): Uncertain significance. Review status: criteria provided, multiple submitters, no conflicts (2 of 4 stars). 3 submissions from 3 submitters: Uncertain significance (3). Last evaluated 2024-09-23.

Conditions:
Cystic fibrosis (CF). Also called: MUCOVISCIDOSIS. Identifiers: Orphanet 586, MedGen C0010674, MONDO:0009061, OMIM 219700. Disease mechanism: loss of function.

Allele frequency attached by ClinVar (database versions not stated): gnomAD exomes below 0.00001.
gnomAD v4.1: 4 of 1,599,448 alleles (0.00025%); highest among the groups gnomAD compares: East Asian, 0.0022%; no homozygotes.

Submissions (3):

Women's Health and Genetics/Laboratory Corporation of America, LabCorp
Classification: Uncertain significance. Last evaluated: 2024-09-23. Review status: criteria provided, single submitter. Criteria: LabCorp Variant Classification Summary - May 2015. Collection method: clinical testing. Allele origin: germline.

Labcorp Genetics (formerly Invitae), Labcorp
Classification: Uncertain significance for Cystic fibrosis. Last evaluated: 2024-01-02. Review status: criteria provided, single submitter. Criteria: Invitae Variant Classification Sherloc (09022015). Collection method: clinical testing. Allele origin: germline.
Comment: This sequence change replaces leucine, which is neutral and non-polar, with valine, which is neutral and non-polar, at codon 1304 of the CFTR protein (p.Leu1304Val). This variant is present in population databases (no rsID available, gnomAD 0.007%). This variant has not been reported in the literature in individuals affected with CFTR-related conditions. ClinVar contains an entry for this variant (Variation ID: 1736119). Advanced modeling of protein sequence and biophysical properties (such as structural, functional, and spatial information, amino acid conservation, physicochemical variation, residue mobility, and thermodynamic stability) performed at Invitae indicates that this missense variant is expected to disrupt CFTR protein function with a positive predictive value of 80%. In summary, the available evidence is currently insufficient to determine the role of this variant in disease. Therefore, it has been classified as a Variant of Uncertain Significance.

Ambry Genetics
Classification: Uncertain significance for Cystic fibrosis. Last evaluated: 2023-03-08. Review status: criteria provided, single submitter. Criteria: Ambry Variant Classification Scheme 2023. Collection method: clinical testing. Allele origin: germline.
Comment: The p.L1304V variant (also known as c.3910T>G), located in coding exon 24 of the CFTR gene, results from a T to G substitution at nucleotide position 3910. The leucine at codon 1304 is replaced by valine, an amino acid with highly similar properties. This amino acid position is highly conserved in available vertebrate species. In addition, the in silico prediction for this alteration is inconclusive. Since supporting evidence is limited at this time, the clinical significance of this alteration remains unclear.

NM_000492.4(CFTR):c.3910T>G (p.Leu1304Val)

Gene: CFTR (CF transmembrane conductance regulator; plus strand). Cytogenetic location: 7q31.2.
Variant type: single nucleotide variant.
Coding change: c.3910T>G on transcript NM_000492.4 (MANE Select); coding-DNA position 3910, T replaced by G.
Protein change: p.Leu1304Val; replaces leucine 1304 with valine.
Molecular consequence: missense variant.
Genome position (GRCh38, 1-based): chr7:117,652,878, T>G. VCF-style: chr7-117652878-T-G. GRCh37 (hg19) VCF-style: chr7-117292932-T-G.
Other names: short protein forms L1304V.
Identifiers: ClinVar variation 1736119 (VCV001736119.7), dbSNP rs1478450897, ClinGen allele CA368978249.